The following is an entry in ClinVar:

NM_001080397.3(SLC45A1):c.1150G>T (p.Gly384Cys)

Gene: SLC45A1 (solute carrier family 45 member 1; plus strand). Cytogenetic location: 1p36.23.
Variant type: single nucleotide variant.
Coding change: c.1150G>T on transcript NM_001080397.3 (MANE Select); coding-DNA position 1150, G replaced by T.
Protein change: p.Gly384Cys; replaces glycine 384 with cysteine.
Molecular consequence: missense variant.
Genome position (GRCh38, 1-based): chr1:8,330,643, G>T. VCF-style: chr1-8330643-G-T. GRCh37 (hg19) VCF-style: chr1-8390703-G-T.
Other names: c.1150G>T (NM_001080397.1); c.1150G>T, p.Gly384Cys (NM_001379614.1); c.1057G>T, p.Gly353Cys (NM_001379615.1, NM_001379616.1); c.544G>T, p.Gly182Cys (NM_001379617.1, NM_001379618.1); short protein forms G418C, G182C, G353C, G384C.
Identifiers: ClinVar variation 451752 (VCV000451752.6), dbSNP rs137918218, ClinGen allele CA570316.

ClinVar aggregate classification (germline): Uncertain significance. Review status: criteria provided, multiple submitters, no conflicts (2 of 4 stars). 2 submissions from 2 submitters: Uncertain significance (2). Last evaluated 2025-08-27.

Allele frequency attached by ClinVar (database versions not stated): 1000 Genomes Project 30x 0.00016; 1000 Genomes Project 0.00020; TOPMed 0.00037; ESP Exome Variant Server 0.00054.
gnomAD v4.1: 863 of 1,613,428 alleles (0.053%); highest among the groups gnomAD compares: Non-Finnish European, 0.071%; 1 homozygote.

Submissions (2):

GeneDx
Classification: Uncertain significance. Last evaluated: 2025-08-27. Review status: criteria provided, single submitter. Criteria: GeneDx Variant Classification Process June 2021. Collection method: clinical testing. Allele origin: germline. Affected: yes.
Comment: In silico analysis suggests that this missense variant does not alter protein structure/function; Has not been previously published as pathogenic or benign to our knowledge; This variant is associated with the following publications: (PMID: 27535533)

Ambry Genetics
Classification: Uncertain significance. Last evaluated: 2021-08-10. Review status: criteria provided, single submitter. Criteria: Ambry Variant Classification Scheme 2023. Collection method: clinical testing. Allele origin: germline.